The following is an entry in ClinVar:

NM_003014.4(SFRP4):c.593-3C>T

Gene: SFRP4 (secreted frizzled related protein 4; minus strand). Cytogenetic location: 7p14.1.
Variant type: single nucleotide variant.
Coding change: c.593-3C>T on transcript NM_003014.4 (MANE Select); 3 bases into the intron before coding-DNA position 593, C replaced by T.
Molecular consequence: intron variant.
Genome position (GRCh38, 1-based): chr7:37,912,320, G>A on the plus strand (C>T on the coding strand, the complement: SFRP4 is on the minus strand). VCF-style: chr7-37912320-G-A. GRCh37 (hg19) VCF-style: chr7-37951922-G-A.
Identifiers: ClinVar variation 1937655 (VCV001937655.5), dbSNP rs955990356, ClinGen allele CA157152332.

ClinVar aggregate classification (germline): Uncertain significance (1 of 4 stars; one submission).

Allele frequency attached by ClinVar (database versions not stated): gnomAD exomes below 0.00001; TOPMed below 0.00001; gnomAD 0.00001.
gnomAD v4.1: 3 of 1,611,508 alleles (0.00019%); highest among the groups gnomAD compares: Non-Finnish European, 0.00017%; no homozygotes.

Submission:

Labcorp Genetics (formerly Invitae), Labcorp
Classification: Uncertain significance. Last evaluated: 2021-12-24. Review status: criteria provided, single submitter. Criteria: Invitae Variant Classification Sherloc (09022015). Collection method: clinical testing. Allele origin: germline.
Comment: This variant is present in population databases (no rsID available, gnomAD 0.0009%). This variant has not been reported in the literature in individuals affected with SFRP4-related conditions. Variants that disrupt the consensus splice site are a relatively common cause of aberrant splicing (PMID: 17576681, 9536098). Algorithms developed to predict the effect of sequence changes on RNA splicing suggest that this variant is not likely to affect RNA splicing. In summary, the available evidence is currently insufficient to determine the role of this variant in disease. Therefore, it has been classified as a Variant of Uncertain Significance. This sequence change falls in intron 3 of the SFRP4 gene. It does not directly change the encoded amino acid sequence of the SFRP4 protein. It affects a nucleotide within the consensus splice site.

Literature cited by the submitters: PubMed 17576681; PubMed 9536098.